The following is an entry in ClinVar:

ClinVar aggregate classification (germline): Likely benign. Review status: criteria provided, multiple submitters, no conflicts (2 of 4 stars). 3 submissions from 3 submitters: Likely benign (3). Last evaluated 2025-04-11.

Conditions:
CREBBP-related disorder. Also called: CREBBP-related disorders; CREBBP-related condition.
Rubinstein-Taybi syndrome (RSTS). Identifiers: Orphanet 783, MedGen C0035934, MONDO:0019188.

Allele frequency attached by ClinVar (database versions not stated): gnomAD 0.00001; ExAC 0.00002; gnomAD exomes 0.00002; TOPMed 0.00002.
gnomAD v4.1: 31 of 1,614,002 alleles (0.0019%); highest among the groups gnomAD compares: Middle Eastern, 0.033%; no homozygotes.

Submissions (3):

PreventionGenetics, part of Exact Sciences
Classification: Likely benign for CREBBP-related condition. Last evaluated: 2025-04-11. Review status: criteria provided, single submitter. Criteria: ACMG Guidelines, 2015. Collection method: clinical testing. Allele origin: germline.
Comment: This variant is classified as likely benign based on ACMG/AMP sequence variant interpretation guidelines (Richards et al. 2015 PMID: 25741868, with internal and published modifications).

Labcorp Genetics (formerly Invitae), Labcorp
Classification: Likely benign for Rubinstein-Taybi syndrome. Last evaluated: 2024-01-04. Review status: criteria provided, single submitter. Criteria: Invitae Variant Classification Sherloc (09022015). Collection method: clinical testing. Allele origin: germline.

Blueprint Genetics
Classification: Likely benign. Last evaluated: 2023-09-01. Review status: criteria provided, single submitter. Criteria: ACMG Guidelines, 2015. Collection method: clinical testing. Allele origin: germline.

NM_004380.3(CREBBP):c.2881-14C>T

Gene: CREBBP (CREB binding lysine acetyltransferase; minus strand). Cytogenetic location: 16p13.3.
Variant type: single nucleotide variant.
Coding change: c.2881-14C>T on transcript NM_004380.3 (MANE Select); 14 bases into the intron before coding-DNA position 2881, C replaced by T.
Molecular consequence: intron variant.
Genome position (GRCh38, 1-based): chr16:3,769,367, G>A on the plus strand (C>T on the coding strand, the complement: CREBBP is on the minus strand). VCF-style: chr16-3769367-G-A. GRCh37 (hg19) VCF-style: chr16-3819368-G-A.
Other names: c.2767-14C>T (NM_001079846.1); c.2881-14C>T (NM_004380.2).
Identifiers: ClinVar variation 2695317 (VCV002695317.5), dbSNP rs779380769, ClinGen allele CA7869998.
Genomic context (GRCh38, chr16:3,769,367, plus strand): 5'-GAGGGGGTAGGGACTCTGTTATCAATGCTGGCTGCTGCCTGGGAAAGCTGTGAAAAAACC[G>A]AAAGCACTGACTTCAGTAAGCAAGGTAACATAAATGATCTTCAACTATGCTGCTCATGCA-3'